The following is an entry in ClinVar:

NM_014141.6(CNTNAP2):c.35C>T (p.Ala12Val)

Gene: CNTNAP2 (contactin associated protein 2; plus strand). Cytogenetic location: 7q35.
Variant type: single nucleotide variant.
Coding change: c.35C>T on transcript NM_014141.6 (MANE Select); coding-DNA position 35, C replaced by T.
Protein change: p.Ala12Val; replaces alanine 12 with valine.
Molecular consequence: missense variant.
Genome position (GRCh38, 1-based): chr7:146,116,911, C>T. VCF-style: chr7-146116911-C-T. GRCh37 (hg19) VCF-style: chr7-145814003-C-T.
Other names: short protein forms A12V.
Identifiers: ClinVar variation 1715913 (VCV001715913.6), dbSNP rs2535699006, ClinGen allele CA369922043.

ClinVar aggregate classification (germline): Uncertain significance (1 of 4 stars; one submission).

Conditions:
Cortical dysplasia-focal epilepsy syndrome (PTHSL1). Also called: Pitt-Hopkins-like syndrome 1. Identifiers: Orphanet 163681, Orphanet 221150, MedGen C2750246, MONDO:0012400, OMIM 610042.

Submission:

Labcorp Genetics (formerly Invitae), Labcorp
Classification: Uncertain significance for Cortical dysplasia-focal epilepsy syndrome. Last evaluated: 2025-09-08. Review status: criteria provided, single submitter. Criteria: Invitae Variant Classification Sherloc (09022015). Collection method: clinical testing. Allele origin: germline.
Comment: This sequence change replaces alanine, which is neutral and non-polar, with valine, which is neutral and non-polar, at codon 12 of the CNTNAP2 protein (p.Ala12Val). This variant is not present in population databases (gnomAD no frequency). This variant has not been reported in the literature in individuals affected with CNTNAP2-related conditions. ClinVar contains an entry for this variant (Variation ID: 1715913). An algorithm developed to predict the effect of missense changes on protein structure and function outputs the following: PolyPhen-2: "Benign". The valine amino acid residue is found in multiple mammalian species, which suggests that this missense change does not adversely affect protein function. In summary, the available evidence is currently insufficient to determine the role of this variant in disease. Therefore, it has been classified as a Variant of Uncertain Significance.